The following is an entry in ClinVar:

ClinVar aggregate classification (germline): Uncertain significance (1 of 4 stars; one submission).

Allele frequency attached by ClinVar (database versions not stated): gnomAD exomes 0.00001.
gnomAD v4.1: 5 of 1,611,486 alleles (0.00031%); highest among the groups gnomAD compares: Admixed American, 0.0068%; no homozygotes.

Submission:

Labcorp Genetics (formerly Invitae), Labcorp
Classification: Uncertain significance. Last evaluated: 2022-01-18. Review status: criteria provided, single submitter. Criteria: Invitae Variant Classification Sherloc (09022015). Collection method: clinical testing. Allele origin: germline.
Comment: In summary, the available evidence is currently insufficient to determine the role of this variant in disease. Therefore, it has been classified as a Variant of Uncertain Significance. Algorithms developed to predict the effect of missense changes on protein structure and function are either unavailable or do not agree on the potential impact of this missense change (SIFT: "Deleterious"; PolyPhen-2: "Benign"; Align-GVGD: "Class C65"). This variant has not been reported in the literature in individuals affected with MAGI2-related conditions. This variant is not present in population databases (gnomAD no frequency). This sequence change replaces threonine, which is neutral and polar, with arginine, which is basic and polar, at codon 423 of the MAGI2 protein (p.Thr423Arg).

NM_012301.4(MAGI2):c.1268C>G (p.Thr423Arg)

Gene: MAGI2 (membrane associated guanylate kinase, WW and PDZ domain containing 2; minus strand). Cytogenetic location: 7q21.11.
Variant type: single nucleotide variant.
Coding change: c.1268C>G on transcript NM_012301.4 (MANE Select); coding-DNA position 1268, C replaced by G.
Protein change: p.Thr423Arg; replaces threonine 423 with arginine.
Molecular consequence: missense variant.
Genome position (GRCh38, 1-based): chr7:78,343,918, G>C on the plus strand (C>G on the coding strand, the complement: MAGI2 is on the minus strand). VCF-style: chr7-78343918-G-C. GRCh37 (hg19) VCF-style: chr7-77973235-G-C.
Other names: c.1268C>G, p.Thr423Arg (NM_001301128.2); short protein forms T423R.
Identifiers: ClinVar variation 2017720 (VCV002017720.4), dbSNP rs1790642323, ClinGen allele CA368005473.